The following is an entry in ClinVar:

NM_024649.5(BBS1):c.93G>C (p.Met31Ile)

Gene: BBS1 (Bardet-Biedl syndrome 1; plus strand). Cytogenetic location: 11q13.2.
Variant type: single nucleotide variant.
Coding change: c.93G>C on transcript NM_024649.5 (MANE Select); coding-DNA position 93, G replaced by C.
Protein change: p.Met31Ile; replaces methionine 31 with isoleucine.
Molecular consequence: missense variant.
Genome position (GRCh38, 1-based): chr11:66,511,058, G>C. VCF-style: chr11-66511058-G-C. GRCh37 (hg19) VCF-style: chr11-66278529-G-C.
Other names: short protein forms M31I.
Identifiers: ClinVar variation 2197433 (VCV002197433.4), dbSNP rs1319049359, ClinGen allele CA381453725.

ClinVar aggregate classification (germline): Uncertain significance (1 of 4 stars; one submission).

Conditions:
Bardet-Biedl syndrome (BBS). Identifiers: Orphanet 110, MedGen C0752166, MONDO:0015229.

Allele frequency attached by ClinVar (database versions not stated): TOPMed below 0.00001; gnomAD 0.00001.
gnomAD v4.1: 1 of 1,613,986 alleles (0.000062%); highest among the groups gnomAD compares: Middle Eastern, 0.016%; no homozygotes.

Submission:

Labcorp Genetics (formerly Invitae), Labcorp
Classification: Uncertain significance for Bardet-Biedl syndrome. Last evaluated: 2022-06-20. Review status: criteria provided, single submitter. Criteria: Invitae Variant Classification Sherloc (09022015). Collection method: clinical testing. Allele origin: germline.
Comment: In summary, the available evidence is currently insufficient to determine the role of this variant in disease. Therefore, it has been classified as a Variant of Uncertain Significance. Algorithms developed to predict the effect of missense changes on protein structure and function (SIFT, PolyPhen-2, Align-GVGD) all suggest that this variant is likely to be tolerated. This variant has not been reported in the literature in individuals affected with BBS1-related conditions. This variant is not present in population databases (gnomAD no frequency). This sequence change replaces methionine, which is neutral and non-polar, with isoleucine, which is neutral and non-polar, at codon 31 of the BBS1 protein (p.Met31Ile).